The following is an entry in ClinVar:

NM_000059.4(BRCA2):c.6502G>T (p.Gly2168Ter)

Gene: BRCA2 (BRCA2 DNA repair associated; plus strand). Cytogenetic location: 13q13.1.
Variant type: single nucleotide variant.
Coding change: c.6502G>T on transcript NM_000059.4 (MANE Select); coding-DNA position 6502, G replaced by T.
Protein change: p.Gly2168Ter; replaces glycine 2168 with a stop codon.
Molecular consequence: nonsense.
Genome position (GRCh38, 1-based): chr13:32,340,857, G>T. VCF-style: chr13-32340857-G-T. GRCh37 (hg19) VCF-style: chr13-32914994-G-T.
Other names: 6730G>T; short protein forms G2168*.
Identifiers: ClinVar variation 266953 (VCV000266953.15), dbSNP rs886040660, ClinGen allele CA10589382.

ClinVar aggregate classification (germline): Pathogenic. Review status: reviewed by expert panel (3 of 4 stars). 6 submissions from 6 submitters: Pathogenic (1). 5 of the submissions do not count toward it. Last evaluated 2016-10-18.

Conditions:
BRCA2-related cancer predisposition. Identifiers: MedGen CN377758, MONDO:0700269.
Breast-ovarian cancer, familial, susceptibility to, 2 (BROVCA2). Also called: BRCA2 Hereditary Breast and Ovarian Cancer. Identifiers: Orphanet 145, MedGen C2675520, MONDO:0012933, OMIM 612555. Disease mechanism: loss of function.
Hereditary cancer-predisposing syndrome. Also called: Hereditary neoplastic syndrome; Neoplastic Syndromes, Hereditary; Tumor predisposition; Hereditary Cancer Syndrome. Identifiers: Orphanet 140162, MedGen C0027672, MeSH D009386, MONDO:0015356.
Hereditary breast ovarian cancer syndrome. Also called: BRCA1- and BRCA2-Associated Hereditary Breast and Ovarian Cancer; Hereditary breast and ovarian cancer; Breast and ovarian cancer; Hereditary breast and/or ovarian cancer syndrome; Hereditary breast and ovarian cancer syndrome; Hereditary breast and ovarian cancer syndrome (HBOC). Identifiers: Orphanet 145, MedGen C0677776, MeSH D061325, MONDO:0003582. Disease mechanism: loss of function.

Submissions (6):

Evidence-based Network for the Interpretation of Germline Mutant Alleles (ENIGMA)
Classification: Pathogenic for Breast-ovarian cancer, familial, susceptibility to, 2. Last evaluated: 2016-10-18. Review status: reviewed by expert panel. Criteria: ENIGMA BRCA1/2 Classification Criteria (2015). Collection method: curation. Allele origin: germline.
Comment: Variant allele predicted to encode a truncated non-functional protein.

Labcorp Genetics (formerly Invitae), Labcorp
Classification: Pathogenic for Hereditary breast ovarian cancer syndrome. Last evaluated: 2026-01-13. Review status: criteria provided, single submitter. Criteria: Invitae Variant Classification Sherloc (09022015). Collection method: clinical testing. Allele origin: germline. Not counted in ClinVar's aggregate classification.
Comment: This sequence change creates a premature translational stop signal (p.Gly2168*) in the BRCA2 gene. It is expected to result in an absent or disrupted protein product. Loss-of-function variants in BRCA2 are known to be pathogenic (PMID: 20104584). This variant is not present in population databases (gnomAD no frequency). This premature translational stop signal has been observed in individual(s) with high risk of breast and/or ovarian cancer (PMID: 29446198). ClinVar contains an entry for this variant (Variation ID: 266953). For these reasons, this variant has been classified as Pathogenic.

All of Us Research Program, National Institutes of Health
Classification: Pathogenic for BRCA2-related cancer predisposition. Last evaluated: 2024-08-13. Review status: criteria provided, single submitter. Criteria: ACMG Guidelines, 2015. Collection method: clinical testing. Allele origin: germline. Inheritance: Autosomal dominant inheritance. Observed: 1 variant allele, 1 heterozygote. Not counted in ClinVar's aggregate classification.
Comment: This variant changes 1 nucleotide in exon 11 of the BRCA2 gene, creating a premature translation stop signal. This variant is expected to result in an absent or non-functional protein product. To our knowledge, this variant has not been reported in individuals affected with BRCA2-related disorders in the literature. This variant has been identified in one family among the CIMBA participants (PMID: 29446198). This variant has not been identified in the general population by the Genome Aggregation Database (gnomAD). Loss of BRCA2 function is a known mechanism of disease. Based on the available evidence, this variant is classified as Pathogenic.

This study involves interpretation of variants in research participants for the purpose of population health screening. Participant phenotype was not available at the time of variant classification. Additional details can be found in publication PMID: 35346344, PMCID: PMC8962531

Ambry Genetics
Classification: Pathogenic for Hereditary cancer-predisposing syndrome. Last evaluated: 2021-10-15. Review status: criteria provided, single submitter. Criteria: Ambry Variant Classification Scheme 2023. Collection method: clinical testing. Allele origin: germline. Not counted in ClinVar's aggregate classification.
Comment: The p.G2168* pathogenic mutation (also known as c.6502G>T), located in coding exon 10 of the BRCA2 gene, results from a G to T substitution at nucleotide position 6502. This changes the amino acid from a glycine to a stop codon within coding exon 10. This alteration was identified in a large, worldwide study of BRCA1/2 mutation positive families (Rebbeck TR et al. Hum Mutat, 2018 05;39:593-620). This variant is considered to be rare based on population cohorts in the Genome Aggregation Database (gnomAD). In addition to the clinical data presented in the literature, this alteration is expected to result in loss of function by premature protein truncation or nonsense-mediated mRNA decay. As such, this alteration is interpreted as a disease-causing mutation.

Quest Diagnostics Nichols Institute San Juan Capistrano
Classification: Pathogenic. Last evaluated: 2019-12-12. Review status: criteria provided, single submitter. Criteria: Quest Diagnostics criteria. Collection method: clinical testing. Allele origin: unknown. Not counted in ClinVar's aggregate classification.
Comment: This nonsense variant causes the premature termination of BRCA2 protein synthesis. In addition, it has been reported in one family affected with breast or ovarian cancer in the published literature (PMID: 29446198 (2018)). Based on the available information, this variant is classified as pathogenic.

Consortium of Investigators of Modifiers of BRCA1/2 (CIMBA), c/o University of Cambridge
Classification: Pathogenic for Breast-ovarian cancer, familial, susceptibility to, 2. Last evaluated: 2015-10-02. Review status: criteria provided, single submitter. Criteria: CIMBA Mutation Classification guidelines May 2016. Collection method: clinical testing. Allele origin: germline. Not counted in ClinVar's aggregate classification.

Literature cited by the submitters: PubMed 20104584 (cited by Labcorp Genetics (formerly Invitae), Labcorp); PubMed 29446198 (cited by 4 submitters).